The following is an entry in ClinVar:

NM_021813.4(BACH2):c.2402C>T (p.Pro801Leu)

Gene: BACH2 (BACH transcriptional regulator 2; minus strand). Cytogenetic location: 6q15.
Variant type: single nucleotide variant.
Coding change: c.2402C>T on transcript NM_021813.4 (MANE Select); coding-DNA position 2402, C replaced by T.
Protein change: p.Pro801Leu; replaces proline 801 with leucine.
Molecular consequence: missense variant.
Genome position (GRCh38, 1-based): chr6:89,932,532, G>A on the plus strand (C>T on the coding strand, the complement: BACH2 is on the minus strand). VCF-style: chr6-89932532-G-A. GRCh37 (hg19) VCF-style: chr6-90642251-G-A.
Other names: c.2402C>T (NM_021813.2); c.2402C>T, p.Pro801Leu (NM_001170794.2); short protein forms P801L.
Identifiers: ClinVar variation 1408084 (VCV001408084.7), dbSNP rs201359587, ClinGen allele CA3927790.

ClinVar aggregate classification (germline): Uncertain significance. Review status: criteria provided, multiple submitters, no conflicts (2 of 4 stars). 2 submissions from 2 submitters: Uncertain significance (2). Last evaluated 2025-12-02.

Allele frequency attached by ClinVar (database versions not stated): ESP Exome Variant Server 0.00015; gnomAD 0.00017 and 0.00019; TOPMed 0.00021; 1000 Genomes Project 0.00060; 1000 Genomes Project 30x 0.00062.
gnomAD v4.1: 473 of 1,614,076 alleles (0.029%); highest among the groups gnomAD compares: Non-Finnish European, 0.035%; no homozygotes.

Submissions (2):

Labcorp Genetics (formerly Invitae), Labcorp
Classification: Uncertain significance. Last evaluated: 2025-12-02. Review status: criteria provided, single submitter. Criteria: Invitae Variant Classification Sherloc (09022015). Collection method: clinical testing. Allele origin: germline.
Comment: This sequence change replaces proline, which is neutral and non-polar, with leucine, which is neutral and non-polar, at codon 801 of the BACH2 protein (p.Pro801Leu). This variant is present in population databases (rs201359587, gnomAD 0.03%), and has an allele count higher than expected for a pathogenic variant. This variant has not been reported in the literature in individuals affected with BACH2-related conditions. ClinVar contains an entry for this variant (Variation ID: 1408084). Invitae Evidence Modeling of protein sequence and biophysical properties (such as structural, functional, and spatial information, amino acid conservation, physicochemical variation, residue mobility, and thermodynamic stability) indicates that this missense variant is not expected to disrupt BACH2 protein function with a negative predictive value of 80%. In summary, the available evidence is currently insufficient to determine the role of this variant in disease. Therefore, it has been classified as a Variant of Uncertain Significance.

Ambry Genetics
Classification: Uncertain significance. Last evaluated: 2024-01-03. Review status: criteria provided, single submitter. Criteria: Ambry Variant Classification Scheme 2023. Collection method: clinical testing. Allele origin: germline.